The following is an entry in ClinVar:

ClinVar aggregate classification (germline): Uncertain significance. Review status: criteria provided, single submitter (1 of 4 stars). 2 submissions from 2 submitters: Uncertain significance (1). 1 of the submissions does not count toward it. Last evaluated 2022-01-18.

Conditions:
Sifrim-Hitz-Weiss syndrome (SIHIWES). Also called: SIFRIM-HITZ-WEISS MULTIPLE CONGENITAL ANOMALIES-MENTAL RETARDATION SYNDROME; CHD4 Neurodevelopmental Disorder. Identifiers: Orphanet 653712, MedGen C4310688, MONDO:0014946, OMIM 617159.

Submissions (2):

GeneDx
Classification: Uncertain significance. Last evaluated: 2022-01-18. Review status: criteria provided, single submitter. Criteria: GeneDx Variant Classification Process June 2021. Collection method: clinical testing. Allele origin: germline. Affected: yes.
Comment: Not observed at significant frequency in large population cohorts (gnomAD); Frameshift variant predicted to result in protein truncation or nonsense mediated decay in a gene for which loss-of-function is not a known mechanism of disease; Has not been previously published as pathogenic or benign to our knowledge

OMIM
Classification: Pathogenic for SIFRIM-HITZ-WEISS SYNDROME. Last evaluated: 2025-03-14. Review status: no assertion criteria provided. Collection method: literature only. Allele origin: germline. Not counted in ClinVar's aggregate classification.

Literature cited by the submitters: PubMed 39824190 (cited by OMIM).

NM_001273.5(CHD4):c.1442del (p.Pro481fs)

Gene: CHD4 (chromodomain helicase DNA binding protein 4; minus strand). Cytogenetic location: 12p13.31.
Variant type: Deletion.
Coding change: c.1442del on transcript NM_001273.5 (MANE Select); coding-DNA position 1442, one base deleted (C; older notation c.1442delC).
Protein change: p.Pro481fs; shifts the reading frame from proline 481.
Molecular consequence: frameshift variant.
Genome position (GRCh38, 1-based): chr12:6,599,813, G deleted on the plus strand (C on the coding strand, the reverse complement: CHD4 is on the minus strand); the first of 2 consecutive G bases (chr12:6,599,813-6,599,814); deleting either gives the same sequence. VCF-style (leftmost placement, unchanged base first): chr12-6599812-TG-T. GRCh37 (hg19) VCF-style: chr12-6708978-TG-T.
Other names: c.1421del, p.Pro474fs (NM_001297553.2); c.1403del, p.Pro468fs (NM_001363606.2); short protein forms P468fs, P474fs, P481fs.
Identifiers: ClinVar variation 1697098 (VCV001697098.3), dbSNP rs2136222835, ClinGen allele CA2580086260.
Genomic context (GRCh38, chr12:6,599,812, plus strand): 5'-CGGCTGAGATCAGTCACTCACCGTACAACGGGGACAGAGCCATTCACCGTTGGGGATCTC[TG>T]GAAGTGGGGGATTCAGGCAGTGGATGTGGTAGGAAGAAGGACAGGTATCACAGCAGAGCA-3'